The following is an entry in ClinVar:

NM_002618.4(PEX13):c.656C>T (p.Ala219Val)

Gene: PEX13 (peroxisomal biogenesis factor 13; plus strand). Cytogenetic location: 2p15.
Variant type: single nucleotide variant.
Coding change: c.656C>T on transcript NM_002618.4 (MANE Select); coding-DNA position 656, C replaced by T.
Protein change: p.Ala219Val; replaces alanine 219 with valine.
Molecular consequence: missense variant.
Genome position (GRCh38, 1-based): chr2:61,031,982, C>T. VCF-style: chr2-61031982-C-T. GRCh37 (hg19) VCF-style: chr2-61259117-C-T.
Other names: short protein forms A219V.
Identifiers: ClinVar variation 3730195 (VCV003730195.2).

ClinVar aggregate classification (germline): Uncertain significance (1 of 4 stars; one submission).

Conditions:
Peroxisome biogenesis disorder 11A (Zellweger). Also called: Peroxisome biogenesis disorder 11A. Identifiers: Orphanet 912, MedGen C3554000, MONDO:0013949, OMIM 614883.

gnomAD v4.1: 2 of 1,613,824 alleles (0.00012%); highest among the groups gnomAD compares: Non-Finnish European, 0.00017%; no homozygotes.

Submission:

Labcorp Genetics (formerly Invitae), Labcorp
Classification: Uncertain significance for Peroxisome biogenesis disorder 11A (Zellweger). Last evaluated: 2024-10-03. Review status: criteria provided, single submitter. Criteria: Invitae Variant Classification Sherloc (09022015). Collection method: clinical testing. Allele origin: germline.
Comment: This sequence change replaces alanine, which is neutral and non-polar, with valine, which is neutral and non-polar, at codon 219 of the PEX13 protein (p.Ala219Val). This variant is not present in population databases (gnomAD no frequency). This variant has not been reported in the literature in individuals affected with PEX13-related conditions. Invitae Evidence Modeling of protein sequence and biophysical properties (such as structural, functional, and spatial information, amino acid conservation, physicochemical variation, residue mobility, and thermodynamic stability) indicates that this missense variant is not expected to disrupt PEX13 protein function with a negative predictive value of 80%. In summary, the available evidence is currently insufficient to determine the role of this variant in disease. Therefore, it has been classified as a Variant of Uncertain Significance.